The following is an entry in ClinVar:

NM_004366.6(CLCN2):c.693+4A>T

Gene: CLCN2 (chloride voltage-gated channel 2; minus strand). Cytogenetic location: 3q27.1.
Variant type: single nucleotide variant.
Coding change: c.693+4A>T on transcript NM_004366.6 (MANE Select); 4 bases into the intron after coding-DNA position 693, A replaced by T.
Molecular consequence: intron variant.
Genome position (GRCh38, 1-based): chr3:184,357,775, T>A on the plus strand (A>T on the coding strand, the complement: CLCN2 is on the minus strand). VCF-style: chr3-184357775-T-A. GRCh37 (hg19) VCF-style: chr3-184075563-T-A.
Other names: c.561+4A>T (NM_001171088.3); c.693+4A>T (NM_001171087.3, NM_001171089.3).
Identifiers: ClinVar variation 1800808 (VCV001800808.1), dbSNP rs2474257683, ClinGen allele CA2580070499.

ClinVar aggregate classification (germline): Uncertain significance (1 of 4 stars; one submission).

Submission:

GeneDx
Classification: Uncertain significance. Last evaluated: 2022-05-23. Review status: criteria provided, single submitter. Criteria: GeneDx Variant Classification Process June 2021. Collection method: clinical testing. Allele origin: germline. Affected: yes.
Comment: Not observed at significant frequency in large population cohorts (gnomAD); In-silico analysis is inconclusive as to whether the variant alters gene splicing. In the absence of RNA/functional studies, the actual effect of this sequence change is unknown.; Has not been previously published as pathogenic or benign to our knowledge